The following is an entry in ClinVar:

ClinVar aggregate classification (germline): Uncertain significance (1 of 4 stars; one submission).

Conditions:
Hereditary cancer-predisposing syndrome. Also called: Neoplastic Syndromes, Hereditary; Tumor predisposition; Hereditary Cancer Syndrome; Hereditary neoplastic syndrome. Identifiers: Orphanet 140162, MedGen C0027672, MeSH D009386, MONDO:0015356.

Submission:

Ambry Genetics
Classification: Uncertain significance for Hereditary cancer-predisposing syndrome. Last evaluated: 2026-01-25. Review status: criteria provided, single submitter. Criteria: Ambry Variant Classification Scheme 2023. Collection method: clinical testing. Allele origin: germline.
Comment: The p.L361R variant (also known as c.1082T>G), located in coding exon 11 of the NF2 gene, results from a T to G substitution at nucleotide position 1082. The leucine at codon 361 is replaced by arginine, an amino acid with dissimilar properties. This amino acid position is conserved. In addition, the in silico prediction for this alteration is inconclusive. Based on the available evidence, the clinical significance of this variant remains unclear.

NM_000268.4(NF2):c.1082T>G (p.Leu361Arg)

Gene: NF2 (NF2, moesin-ezrin-radixin like (MERLIN) tumor suppressor; plus strand). Cytogenetic location: 22q12.2.
Variant type: single nucleotide variant.
Coding change: c.1082T>G on transcript NM_000268.4 (MANE Select); coding-DNA position 1082, T replaced by G.
Protein change: p.Leu361Arg; replaces leucine 361 with arginine.
Molecular consequence: missense variant. On other transcripts: intron variant (1).
Genome position (GRCh38, 1-based): chr22:29,671,908, T>G. VCF-style: chr22-29671908-T-G. GRCh37 (hg19) VCF-style: chr22-30067897-T-G.
Other names: c.968T>G, p.Leu323Arg (NM_001407053.1, NM_001407056.1); c.959T>G, p.Leu320Arg (NM_001407054.1, NM_001407058.1, NM_181829.3); c.956T>G, p.Leu319Arg (NM_001407055.1, NM_181828.3); c.947T>G, p.Leu316Arg (NM_001407057.1, NM_001407059.1); c.1082T>G, p.Leu361Arg (NM_001407060.1, NM_001407066.1, NM_016418.5 and 2 more transcripts); c.824T>G, p.Leu275Arg (NM_001407062.1); c.833T>G, p.Leu278Arg (NM_001407063.1, NM_001407064.1, NM_181830.3 and 1 more transcripts); c.548T>G, p.Leu183Arg (NM_001407065.1); and 2 more; short protein forms L323R, L183R, L278R, L320R, L275R, L361R, L284R, L316R.
Identifiers: ClinVar variation 4825430 (VCV004825430.1).